The following is an entry in ClinVar:

NM_006080.3(SEMA3A):c.1954G>A (p.Val652Met)

Gene: SEMA3A (semaphorin 3A; minus strand). Cytogenetic location: 7q21.11.
Variant type: single nucleotide variant.
Coding change: c.1954G>A on transcript NM_006080.3 (MANE Select); coding-DNA position 1954, G replaced by A.
Protein change: p.Val652Met; replaces valine 652 with methionine.
Molecular consequence: missense variant.
Genome position (GRCh38, 1-based): chr7:83,961,733, C>T on the plus strand (G>A on the coding strand, the complement: SEMA3A is on the minus strand). VCF-style: chr7-83961733-C-T. GRCh37 (hg19) VCF-style: chr7-83591049-C-T.
Other names: short protein forms V652M.
Identifiers: ClinVar variation 2589600 (VCV002589600.4), dbSNP rs549486833, ClinGen allele CA4322563.

ClinVar aggregate classification (germline): Uncertain significance. Review status: criteria provided, single submitter (1 of 4 stars). 2 submissions from 2 submitters: Uncertain significance (1). 1 of the submissions does not count toward it. Last evaluated 2023-08-04.

Conditions:
Inborn genetic diseases. Identifiers: MedGen C0950123, MeSH D030342.
SEMA3A-related disorder. Also called: SEMA3A-related condition.

Allele frequency attached by ClinVar (database versions not stated): TOPMed 0.00001; gnomAD 0.00003; gnomAD exomes 0.00011; 1000 Genomes Project 30x 0.00016; 1000 Genomes Project 0.00020.
gnomAD v4.1: 158 of 1,613,878 alleles (0.0098%); highest among the groups gnomAD compares: South Asian, 0.17%; 3 homozygotes.

Submissions (2):

Ambry Genetics
Classification: Uncertain significance for Inborn genetic diseases. Last evaluated: 2023-08-04. Review status: criteria provided, single submitter. Criteria: Ambry Variant Classification Scheme 2023. Collection method: clinical testing. Allele origin: germline.

PreventionGenetics, part of Exact Sciences
Classification: Likely benign for SEMA3A-related condition. Last evaluated: 2024-02-05. Review status: no assertion criteria provided. Collection method: clinical testing. Allele origin: germline. Not counted in ClinVar's aggregate classification.
Comment: This variant is classified as likely benign based on ACMG/AMP sequence variant interpretation guidelines (Richards et al. 2015 PMID: 25741868, with internal and published modifications).